The following is an entry in ClinVar:

NM_015884.4(MBTPS2):c.1261+5G>C

Gene: MBTPS2 (membrane bound transcription factor peptidase, site 2; plus strand). Cytogenetic location: Xp22.12.
Variant type: single nucleotide variant.
Coding change: c.1261+5G>C on transcript NM_015884.4 (MANE Select); 5 bases into the intron after coding-DNA position 1261, G replaced by C.
Molecular consequence: intron variant.
Genome position (GRCh38, 1-based): chrX:21,878,697, G>C. VCF-style: chrX-21878697-G-C. GRCh37 (hg19) VCF-style: chrX-21896815-G-C.
Identifiers: ClinVar variation 3355768 (VCV003355768.1).

ClinVar aggregate classification (germline): Uncertain significance (0 of 4 stars; one submission).

Conditions:
MBTPS2-related disorder. Also called: MBTPS2-related condition.

gnomAD v4.1: 1 of 1,165,395 alleles (0.000086%); highest among the groups gnomAD compares: Non-Finnish European, 0.00012%; no homozygotes.

Submission:

PreventionGenetics, part of Exact Sciences
Classification: Uncertain significance for MBTPS2-related condition. Last evaluated: 2024-09-17. Review status: no assertion criteria provided. Collection method: clinical testing. Allele origin: germline.
Comment: The MBTPS2 c.1261+5G>C variant is predicted to interfere with splicing. This variant is not predicted to alter splicing based on available splicing prediction programs (SpliceAI, Jaganathan et al. 2019. PubMed ID: 30661751). However, the use of computer prediction programs is not equivalent to functional evidence. To our knowledge, this variant has not been reported in the literature or in gnomAD, indicating this variant is rare. Although we suspect that this variant may be benign, at this time, the clinical significance of this variant is uncertain due to the absence of conclusive functional and genetic evidence.